The following is an entry in ClinVar:

NC_000016.9:g.(?_29825620)_(29825969_?)del

Gene: PRRT2 (proline rich transmembrane protein 2; plus strand). Cytogenetic location: 16p11.2.
Variant type: Deletion.
Identifiers: ClinVar variation 1460111 (VCV001460111.1).

ClinVar aggregate classification (germline): Pathogenic (1 of 4 stars; one submission).

Conditions:
Episodic kinesigenic dyskinesia (EKD). Also called: Paroxysmal kinesigenic dyskinesia. Identifiers: Orphanet 98809, MedGen C1868682, MONDO:0044202.

Submission:

Labcorp Genetics (formerly Invitae), Labcorp
Classification: Pathogenic for Episodic kinesigenic dyskinesia. Last evaluated: 2021-08-30. Review status: criteria provided, single submitter. Criteria: Invitae Variant Classification Sherloc (09022015). Collection method: clinical testing. Allele origin: germline.
Comment: This variant is a gross deletion of the genomic region encompassing exon(s) 3-4 of the PRRT2 gene, which includes the termination codon. This deletion extends beyond the assayed region for this gene and therefore may encompass additional genes. While this deletion is not anticipated to lead to nonsense mediated decay, it is expected to alter mRNA translation or result in a truncated protein product. This variant has not been reported in the literature in individuals affected with PRRT2-related conditions. This variant disrupts a region of the PRRT2 protein in which other variant(s) (p.Ile327Met) have been determined to be pathogenic (PMID: 2131349, 23496026, 24609974, 24886244). This suggests that this is a clinically significant region of the protein, and that variants that disrupt it are likely to be disease-causing. For these reasons, this variant has been classified as Pathogenic.

Literature cited by the submitters: PubMed 2131349; PubMed 23496026; PubMed 24609974; PubMed 24886244.